The following is an entry in ClinVar:

NM_020166.5(MCCC1):c.784G>A (p.Gly262Ser)

Gene: MCCC1 (methylcrotonyl-CoA carboxylase subunit 1; minus strand). Cytogenetic location: 3q27.1.
Variant type: single nucleotide variant.
Coding change: c.784G>A on transcript NM_020166.5 (MANE Select); coding-DNA position 784, G replaced by A.
Protein change: p.Gly262Ser; replaces glycine 262 with serine.
Molecular consequence: missense variant. On other transcripts: non-coding transcript variant (2).
Genome position (GRCh38, 1-based): chr3:183,057,400, C>T on the plus strand (G>A on the coding strand, the complement: MCCC1 is on the minus strand). VCF-style: chr3-183057400-C-T. GRCh37 (hg19) VCF-style: chr3-182775188-C-T.
Other names: c.433G>A, p.Gly145Ser (NM_001293273.2); c.457G>A, p.Gly153Ser (NM_001363880.1); short protein forms G262S, G145S, G153S.
Identifiers: ClinVar variation 4704845 (VCV004704845.1).

ClinVar aggregate classification (germline): Uncertain significance (1 of 4 stars; one submission).

Conditions:
3-methylcrotonyl-CoA carboxylase 1 deficiency (MCC1D). Also called: MCCD TYPE 1; METHYLCROTONYLGLYCINURIA TYPE I; MCC 1 deficiency; 3 Alpha methylcrotonylglycinuria 1. Identifiers: Orphanet 6, MedGen CN028786, MONDO:0008861, OMIM 210200.

gnomAD v4.1: 1 of 1,607,964 alleles (0.000062%); highest among the groups gnomAD compares: African/African-American, 0.0013%; no homozygotes.

Submission:

Labcorp Genetics (formerly Invitae), Labcorp
Classification: Uncertain significance for 3-methylcrotonyl-CoA carboxylase 1 deficiency. Last evaluated: 2025-10-13. Review status: criteria provided, single submitter. Criteria: Invitae Variant Classification Sherloc (09022015). Collection method: clinical testing. Allele origin: germline.
Comment: This sequence change replaces glycine, which is neutral and non-polar, with serine, which is neutral and polar, at codon 262 of the MCCC1 protein (p.Gly262Ser). This variant is not present in population databases (gnomAD no frequency). This missense change has been observed in individual(s) with clinical features of 3-methylcrotonyl-CoA carboxylase deficiency (internal data). In at least one individual the data is consistent with being in trans (on the opposite chromosome) from a pathogenic variant. Invitae Evidence Modeling of protein sequence and biophysical properties (such as structural, functional, and spatial information, amino acid conservation, physicochemical variation, residue mobility, and thermodynamic stability) has been performed for this missense variant. However, the output from this modeling did not meet the statistical confidence thresholds required to predict the impact of this variant on MCCC1 protein function. In summary, the available evidence is currently insufficient to determine the role of this variant in disease. Therefore, it has been classified as a Variant of Uncertain Significance.